The following is an entry in ClinVar:

NM_006206.6(PDGFRA):c.194A>T (p.Glu65Val)

Gene: PDGFRA (platelet derived growth factor receptor alpha; plus strand). Cytogenetic location: 4q12.
Variant type: single nucleotide variant.
Coding change: c.194A>T on transcript NM_006206.6 (MANE Select); coding-DNA position 194, A replaced by T.
Protein change: p.Glu65Val; replaces glutamic acid 65 with valine.
Molecular consequence: missense variant.
Genome position (GRCh38, 1-based): chr4:54,261,239, A>T. VCF-style: chr4-54261239-A-T. GRCh37 (hg19) VCF-style: chr4-55127406-A-T.
Other names: c.194A>T, p.Glu65Val (NM_001347827.2, NM_001347829.2); c.269A>T, p.Glu90Val (NM_001347828.2); c.233A>T, p.Glu78Val (NM_001347830.2); short protein forms E90V, E65V, E78V.
Identifiers: ClinVar variation 1783187 (VCV001783187.8), dbSNP rs1163869258, ClinGen allele CA356888464.
Genomic context (GRCh38, chr4:54,261,239, plus strand): 5'-TTTCTCTGAGATGCTTTGGGGAGAGTGAAGTGAGCTGGCAGTACCCCATGTCTGAAGAAG[A>T]GAGCTCCGATGTGGAAATCAGAAATGAAGAAAACAACAGCGGCCTTTTTGTGACGGTCTT-3'
Protein context (NP_006197.1, residues 55-75): VSWQYPMSEE[Glu65Val]SSDVEIRNEE

ClinVar aggregate classification (germline): Uncertain significance. Review status: criteria provided, multiple submitters, no conflicts (2 of 4 stars). 2 submissions from 2 submitters: Uncertain significance (2). Last evaluated 2025-12-21.

Conditions:
Hereditary cancer-predisposing syndrome. Also called: Neoplastic Syndromes, Hereditary; Tumor predisposition; Hereditary Cancer Syndrome; Hereditary neoplastic syndrome. Identifiers: Orphanet 140162, MedGen C0027672, MeSH D009386, MONDO:0015356.
Gastrointestinal stromal tumor. Also called: Gastrointestinal stromal tumor, somatic; Gastrointestinal stroma tumor. Identifiers: Orphanet 44890, MedGen C0238198, MeSH D046152, MONDO:0011719, OMIM 606764, HP:0100723.

Allele frequency attached by ClinVar (database versions not stated): gnomAD exomes below 0.00001.
gnomAD v4.1: 4 of 1,614,186 alleles (0.00025%); highest among the groups gnomAD compares: Non-Finnish European, 0.00034%; no homozygotes.

Submissions (2):

Ambry Genetics
Classification: Uncertain significance for Hereditary cancer-predisposing syndrome. Last evaluated: 2025-12-21. Review status: criteria provided, single submitter. Criteria: Ambry Variant Classification Scheme 2023. Collection method: clinical testing. Allele origin: germline.
Comment: The p.E65V variant (also known as c.194A>T), located in coding exon 2 of the PDGFRA gene, results from an A to T substitution at nucleotide position 194. The glutamic acid at codon 65 is replaced by valine, an amino acid with dissimilar properties. This amino acid position is conserved. In addition, this alteration is predicted to be tolerated by in silico analysis. Since supporting evidence is limited at this time, the clinical significance of this alteration remains unclear.

Labcorp Genetics (formerly Invitae), Labcorp
Classification: Uncertain significance for Gastrointestinal stromal tumor. Last evaluated: 2025-01-14. Review status: criteria provided, single submitter. Criteria: Invitae Variant Classification Sherloc (09022015). Collection method: clinical testing. Allele origin: germline.
Comment: This sequence change replaces glutamic acid, which is acidic and polar, with valine, which is neutral and non-polar, at codon 65 of the PDGFRA protein (p.Glu65Val). This variant is present in population databases (no rsID available, gnomAD 0.0009%). This variant has not been reported in the literature in individuals affected with PDGFRA-related conditions. ClinVar contains an entry for this variant (Variation ID: 1783187). Invitae Evidence Modeling of protein sequence and biophysical properties (such as structural, functional, and spatial information, amino acid conservation, physicochemical variation, residue mobility, and thermodynamic stability) indicates that this missense variant is not expected to disrupt PDGFRA protein function with a negative predictive value of 80%. In summary, the available evidence is currently insufficient to determine the role of this variant in disease. Therefore, it has been classified as a Variant of Uncertain Significance.